The following is an entry in ClinVar:

ClinVar aggregate classification (germline): Uncertain significance (1 of 4 stars; one submission).

Submission:

GeneDx
Classification: Uncertain significance. Last evaluated: 2024-05-05. Review status: criteria provided, single submitter. Criteria: GeneDx Variant Classification Process June 2021. Collection method: clinical testing. Allele origin: germline. Affected: yes.
Comment: Not observed at significant frequency in large population cohorts (gnomAD); In silico analysis supports that this missense variant has a deleterious effect on protein structure/function; Has not been previously published as pathogenic or benign to our knowledge

NM_000702.4(ATP1A2):c.673C>A (p.Arg225Ser)

Genes: ATP1A2 (ATPase Na+/K+ transporting subunit alpha 2; plus strand), LOC126805890 (CDK7 strongly-dependent group 2 enhancer GRCh37_chr1:160093987-160095186; plus strand). Cytogenetic location: 1q23.2.
Variant type: single nucleotide variant.
Coding change: c.673C>A on transcript NM_000702.4 (MANE Select); coding-DNA position 673, C replaced by A.
Protein change: p.Arg225Ser; replaces arginine 225 with serine.
Molecular consequence: missense variant.
Genome position (GRCh38, 1-based): chr1:160,125,178, C>A. VCF-style: chr1-160125178-C-A. GRCh37 (hg19) VCF-style: chr1-160094968-C-A.
Other names: short protein forms R225S.
Identifiers: ClinVar variation 3375921 (VCV003375921.1).